The following is an entry in ClinVar:

ClinVar aggregate classification (germline): Uncertain significance (1 of 4 stars; one submission).

Conditions:
Primary ciliary dyskinesia. Also called: Ciliary dyskinesia. Identifiers: Orphanet 244, MedGen C0008780, MONDO:0016575, HP:0012265.

gnomAD v4.1: 63 of 1,614,052 alleles (0.0039%); highest among the groups gnomAD compares: South Asian, 0.066%; 1 homozygote.

Submission:

Labcorp Genetics (formerly Invitae), Labcorp
Classification: Uncertain significance for Primary ciliary dyskinesia. Last evaluated: 2023-08-04. Review status: criteria provided, single submitter. Criteria: Invitae Variant Classification Sherloc (09022015). Collection method: clinical testing. Allele origin: germline.
Comment: In summary, the available evidence is currently insufficient to determine the role of this variant in disease. Therefore, it has been classified as a Variant of Uncertain Significance. An algorithm developed to predict the effect of missense changes on protein structure and function (PolyPhen-2) suggests that this variant is likely to be disruptive. This variant has not been reported in the literature in individuals affected with DRC1-related conditions. This variant is present in population databases (rs150721188, gnomAD 0.08%). This sequence change replaces isoleucine, which is neutral and non-polar, with methionine, which is neutral and non-polar, at codon 446 of the DRC1 protein (p.Ile446Met).

NM_145038.5(DRC1):c.1338T>G (p.Ile446Met)

Gene: DRC1 (dynein regulatory complex subunit 1; plus strand). Cytogenetic location: 2p23.3.
Variant type: single nucleotide variant.
Coding change: c.1338T>G on transcript NM_145038.5 (MANE Select); coding-DNA position 1338, T replaced by G.
Protein change: p.Ile446Met; replaces isoleucine 446 with methionine.
Molecular consequence: missense variant.
Genome position (GRCh38, 1-based): chr2:26,444,890, T>G. VCF-style: chr2-26444890-T-G. GRCh37 (hg19) VCF-style: chr2-26667758-T-G.
Other names: short protein forms I446M.
Identifiers: ClinVar variation 2896869 (VCV002896869.2), dbSNP rs150721188, ClinGen allele CA1562200.